The following is an entry in ClinVar:

NM_015450.2:c.594_595insALU

Gene: POT1 (protection of telomeres 1; minus strand).
Variant type: Insertion.
Identifiers: ClinVar variation 3936272 (VCV003936272.1).

ClinVar aggregate classification (germline): Uncertain significance (1 of 4 stars; one submission).

Conditions:
Hereditary cancer-predisposing syndrome. Also called: Tumor predisposition; Hereditary neoplastic syndrome; Hereditary Cancer Syndrome; Neoplastic Syndromes, Hereditary. Identifiers: Orphanet 140162, MedGen C0027672, MeSH D009386, MONDO:0015356.

Submission:

Ambry Genetics
Classification: Uncertain significance for Hereditary cancer-predisposing syndrome. Last evaluated: 2025-04-22. Review status: criteria provided, single submitter. Criteria: Ambry Variant Classification Scheme 2023. Collection method: clinical testing. Allele origin: germline.
Comment: The c.594_595insALU variant results from the insertion of an Alu element between nucleotides 594 and 595 in coding exon 5 of the POT1 gene. Mobile element insertions contribute to pathogenicity by either disrupting the coding sequence or inducing aberrant splicing (Belancio VP et al. Semin. Cancer Biol. 2010 Aug;20:200-10; Deininger P et al. Genome Biol. 2011 Dec;12:236; van der Klift HM Hum Mutat. 2012 Jul;33(7):1051-5). One possible aberrant splice effect would be in-frame and, therefore, not expected to trigger nonsense-mediated mRNAdecay; however, direct evidence is unavailable. The exact functional effect of the altered amino acid sequence is unknown. Since supporting evidence is limited at this time, the clinical significance of this alteration remains unclear.